The following is an entry in ClinVar:

NM_006734.4(HIVEP2):c.1157A>G (p.Asn386Ser)

Gene: HIVEP2 (HIVEP zinc finger 2; minus strand). Cytogenetic location: 6q24.2.
Variant type: single nucleotide variant.
Coding change: c.1157A>G on transcript NM_006734.4 (MANE Select); coding-DNA position 1157, A replaced by G.
Protein change: p.Asn386Ser; replaces asparagine 386 with serine.
Molecular consequence: missense variant.
Genome position (GRCh38, 1-based): chr6:142,773,582, T>C on the plus strand (A>G on the coding strand, the complement: HIVEP2 is on the minus strand). VCF-style: chr6-142773582-T-C. GRCh37 (hg19) VCF-style: chr6-143094719-T-C.
Other names: c.1157A>G, p.Asn386Ser (NM_001438449.1, NM_001438450.1, NM_001438451.1); short protein forms N386S.
Identifiers: ClinVar variation 4975655 (VCV004975655.1).

ClinVar aggregate classification (germline): Uncertain significance (1 of 4 stars; one submission).

Submission:

GeneDx
Classification: Uncertain significance. Last evaluated: 2026-01-29. Review status: criteria provided, single submitter. Criteria: GeneDx Variant Classification Process June 2021. Collection method: clinical testing. Allele origin: germline.
Comment: Not observed at significant frequency in large population cohorts (gnomAD); In silico analysis suggests that this missense variant does not alter protein structure/function; Has not been previously published as pathogenic or benign to our knowledge